The following is an entry in ClinVar:

NM_012250.6(RRAS2):c.287C>T (p.Thr96Ile)

Gene: RRAS2 (RAS related 2; minus strand). Cytogenetic location: 11p15.2.
Variant type: single nucleotide variant.
Coding change: c.287C>T on transcript NM_012250.6 (MANE Select); coding-DNA position 287, C replaced by T.
Protein change: p.Thr96Ile; replaces threonine 96 with isoleucine.
Molecular consequence: missense variant.
Genome position (GRCh38, 1-based): chr11:14,294,772, G>A on the plus strand (C>T on the coding strand, the complement: RRAS2 is on the minus strand). VCF-style: chr11-14294772-G-A. GRCh37 (hg19) VCF-style: chr11-14316318-G-A.
Other names: c.56C>T, p.Thr19Ile (NM_001102669.3, NM_001177315.2); c.182C>T, p.Thr61Ile (NM_001177314.2); short protein forms T19I, T61I, T96I.
Identifiers: ClinVar variation 2032165 (VCV002032165.4), dbSNP rs2494138875, ClinGen allele CA379860319.

ClinVar aggregate classification (germline): Uncertain significance (1 of 4 stars; one submission).

Allele frequency attached by ClinVar (database versions not stated): gnomAD exomes below 0.00001.
gnomAD v4.1: 1 of 1,613,450 alleles (0.000062%); highest among the groups gnomAD compares: Non-Finnish European, 0.000085%; no homozygotes.

Submission:

Labcorp Genetics (formerly Invitae), Labcorp
Classification: Uncertain significance. Last evaluated: 2022-09-23. Review status: criteria provided, single submitter. Criteria: Invitae Variant Classification Sherloc (09022015). Collection method: clinical testing. Allele origin: germline.
Comment: In summary, the available evidence is currently insufficient to determine the role of this variant in disease. Therefore, it has been classified as a Variant of Uncertain Significance. Algorithms developed to predict the effect of missense changes on protein structure and function are either unavailable or do not agree on the potential impact of this missense change (SIFT: "Deleterious"; PolyPhen-2: "Possibly Damaging"; Align-GVGD: "Class C0"). This variant has not been reported in the literature in individuals affected with RRAS2-related conditions. This variant is not present in population databases (gnomAD no frequency). This sequence change replaces threonine, which is neutral and polar, with isoleucine, which is neutral and non-polar, at codon 96 of the RRAS2 protein (p.Thr96Ile).